The following is an entry in ClinVar:

NM_176787.5(PIGN):c.1362G>A (p.Trp454Ter)

Gene: PIGN (phosphatidylinositol glycan anchor biosynthesis class N; minus strand). Cytogenetic location: 18q21.33.
Variant type: single nucleotide variant.
Coding change: c.1362G>A on transcript NM_176787.5 (MANE Select); coding-DNA position 1362, G replaced by A.
Protein change: p.Trp454Ter; replaces tryptophan 454 with a stop codon.
Molecular consequence: nonsense.
Genome position (GRCh38, 1-based): chr18:62,113,206, C>T on the plus strand (G>A on the coding strand, the complement: PIGN is on the minus strand). VCF-style: chr18-62113206-C-T. GRCh37 (hg19) VCF-style: chr18-59780439-C-T.
Other names: c.1362G>A, p.Trp454Ter (NM_012327.6); short protein forms W454*.
Identifiers: ClinVar variation 2804837 (VCV002804837.3), dbSNP rs2513116527, ClinGen allele CA402605800.

ClinVar aggregate classification (germline): Pathogenic (1 of 4 stars; one submission).

Conditions:
Multiple congenital anomalies-hypotonia-seizures syndrome 1 (MCAHS1). Also called: Congenital disorder of glycosylation due to PIGN deficiency; GLYCOSYLPHOSPHATIDYLINOSITOL BIOSYNTHESIS DEFECT 3; PIGN-CDG. Identifiers: Orphanet 280633, MedGen C3279775, MONDO:0013563, OMIM 614080.

Submission:

Labcorp Genetics (formerly Invitae), Labcorp
Classification: Pathogenic for Multiple congenital anomalies-hypotonia-seizures syndrome 1. Last evaluated: 2023-11-10. Review status: criteria provided, single submitter. Criteria: Invitae Variant Classification Sherloc (09022015). Collection method: clinical testing. Allele origin: germline.
Comment: This sequence change creates a premature translational stop signal (p.Trp454*) in the PIGN gene. It is expected to result in an absent or disrupted protein product. Loss-of-function variants in PIGN are known to be pathogenic (PMID: 24253414, 27038415). This variant is not present in population databases (gnomAD no frequency). This variant has not been reported in the literature in individuals affected with PIGN-related conditions. Algorithms developed to predict the effect of sequence changes on RNA splicing suggest that this variant may disrupt the consensus splice site. For these reasons, this variant has been classified as Pathogenic.

Literature cited by the submitters: PubMed 24253414; PubMed 27038415.